The following is an entry in ClinVar:

ClinVar aggregate classification (germline): Likely benign (1 of 4 stars; one submission).

Submission:

GeneDx
Classification: Likely benign. Last evaluated: 2017-04-03. Review status: criteria provided, single submitter. Criteria: GeneDx Variant Classification (06012015). Collection method: clinical testing. Allele origin: germline. Affected: yes.
Comment: This variant is considered likely benign or benign based on one or more of the following criteria: it is a conservative change, it occurs at a poorly conserved position in the protein, it is predicted to be benign by multiple in silico algorithms, and/or has population frequency not consistent with disease.

NM_030777.4(SLC2A10):c.-26dup

Gene: SLC2A10 (solute carrier family 2 member 10; plus strand). Cytogenetic location: 20q13.12.
Variant type: Duplication.
Coding change: c.-26dup on transcript NM_030777.4 (MANE Select); 26 bases upstream of the start codon, one base duplicated (C; older notation c.-26dupC).
Molecular consequence: 5 prime UTR variant.
Genome position (GRCh38, 1-based): chr20:46,709,711, C duplicated; the last of 5 consecutive C bases (chr20:46,709,707-46,709,711); duplicating any one gives the same sequence. VCF-style (leftmost placement, unchanged base first): chr20-46709706-G-GC. GRCh37 (hg19) VCF-style: chr20-45338345-G-GC.
Other names: c.-26dupC (NM_030777.3).
Identifiers: ClinVar variation 508341 (VCV000508341.1), dbSNP rs1335581409, ClinGen allele CA658799381.